The following is an entry in ClinVar:

ClinVar aggregate classification (germline): Pathogenic (1 of 4 stars; one submission).

Conditions:
Primary ciliary dyskinesia. Also called: Ciliary dyskinesia. Identifiers: Orphanet 244, MedGen C0008780, MONDO:0016575, HP:0012265.

Submission:

Labcorp Genetics (formerly Invitae), Labcorp
Classification: Pathogenic for Primary ciliary dyskinesia. Last evaluated: 2022-03-20. Review status: criteria provided, single submitter. Criteria: Invitae Variant Classification Sherloc (09022015). Collection method: clinical testing. Allele origin: germline.
Comment: ClinVar contains an entry for this variant (Variation ID: 1070628). This variant has not been reported in the literature in individuals affected with DNAH5-related conditions. This variant is not present in population databases (gnomAD no frequency). This sequence change creates a premature translational stop signal (p.Gln1812Lysfs*7) in the DNAH5 gene. It is expected to result in an absent or disrupted protein product. Loss-of-function variants in DNAH5 are known to be pathogenic (PMID: 11788826, 16627867). For these reasons, this variant has been classified as Pathogenic.

Literature cited by the submitters: PubMed 11788826; PubMed 16627867.

NM_001369.3(DNAH5):c.5434del (p.Gln1812fs)

Gene: DNAH5 (dynein axonemal heavy chain 5; minus strand). Cytogenetic location: 5p15.2.
Variant type: Deletion.
Coding change: c.5434del on transcript NM_001369.3 (MANE Select); coding-DNA position 5434, one base deleted (C; older notation c.5434delC).
Protein change: p.Gln1812fs; shifts the reading frame from glutamine 1812.
Molecular consequence: frameshift variant.
Genome position (GRCh38, 1-based): chr5:13,841,742, G deleted on the plus strand (C on the coding strand, the reverse complement: DNAH5 is on the minus strand). VCF-style (leftmost placement, unchanged base first): chr5-13841741-TG-T. GRCh37 (hg19) VCF-style: chr5-13841850-TG-T.
Other names: short protein forms Q1812fs.
Identifiers: ClinVar variation 1070628 (VCV001070628.7), dbSNP rs2151861729, ClinGen allele CA2499217615.
Genomic context (GRCh38, chr5:13,841,741, plus strand): 5'-AATACACTGACCTGAGCAGGGAAGGATGAAAGAAATTCAGTTAGTTGGAAACCTGTTTCT[TG>T]AATATTTGCGGCTGCCTGGCGAATCACAAGATGCAATGAGGACTGAGATTCTTCCAAAAG-3'